The following continues an entry in ClinVar:

NM_000350.3(ABCA4):c.768G>T (p.Val256=)

Gene: ABCA4. ClinVar aggregate classification (germline): Pathogenic/Likely pathogenic. Pathogenic (13); Likely pathogenic (1).

Submissions 16 to 21 of 21:

Department of Clinical Genetics, Copenhagen University Hospital, Rigshospitalet
Classification: Likely pathogenic for Retinitis pigmentosa. Last evaluated: 2018-04-01. Review status: no assertion criteria provided. Collection method: research. Allele origin: unknown. Affected: yes. Study: VeluxRD. Not counted in ClinVar's aggregate classification.

Joint Genome Diagnostic Labs from Nijmegen and Maastricht, Radboudumc and MUMC+
Classification: Pathogenic for Retinitis pigmentosa 19. Last evaluated: 2016-09-01. Review status: no assertion criteria provided. Collection method: clinical testing. Allele origin: unknown. Affected: yes. Observed: 1 variant allele. Not counted in ClinVar's aggregate classification.

NIHR Bioresource Rare Diseases, University of Cambridge
Classification: Likely pathogenic. Last evaluated: 2015-01-01. Review status: no assertion criteria provided. Collection method: research. Allele origin: unknown. Affected: yes. Observed: 1 variant allele. Not counted in ClinVar's aggregate classification.

Clinical Genetics DNA and cytogenetics Diagnostics Lab, Erasmus MC, Erasmus Medical Center
Classification: Pathogenic. Review status: no assertion criteria provided. Collection method: clinical testing. Allele origin: germline. Affected: yes. Study: VKGL Data-share Consensus. Not counted in ClinVar's aggregate classification.

Joint Genome Diagnostic Labs from Nijmegen and Maastricht, Radboudumc and MUMC+
Classification: Pathogenic. Review status: no assertion criteria provided. Collection method: clinical testing. Allele origin: germline. Affected: yes. Study: VKGL Data-share Consensus. Not counted in ClinVar's aggregate classification.

Retina International
No classification provided. Review status: no classification provided. Collection method: not provided. Allele origin: not provided. Not counted in ClinVar's aggregate classification.

Literature cited by the submitters: PubMed 10090887 (cited by 5 submitters); PubMed 11726554 (cited by Labcorp Genetics (formerly Invitae), Labcorp and Molecular Genetics, Royal Melbourne Hospital); PubMed 15161829 (cited by Labcorp Genetics (formerly Invitae), Labcorp); PubMed 23695285 (cited by 3 submitters); PubMed 17576681 (cited by Labcorp Genetics (formerly Invitae), Labcorp); PubMed 9536098 (cited by Labcorp Genetics (formerly Invitae), Labcorp); PubMed 29162642 (cited by 3 submitters); PubMed 28118664 (cited by Molecular Genetics, Royal Melbourne Hospital and Institute of Human Genetics, Univ. Regensburg, Univ. Regensburg); PubMed 30718709 (cited by 3 submitters); PubMed 33546218 (cited by Molecular Genetics, Royal Melbourne Hospital); PubMed 20647261 (cited by Institute of Human Genetics, Univ. Regensburg, Univ. Regensburg); PubMed 29555955 (cited by Institute of Human Genetics, Univ. Regensburg, Univ. Regensburg); PubMed 31589614 (cited by Institute of Human Genetics, Univ. Regensburg, Univ. Regensburg); PubMed 29925512 (cited by Institute of Human Genetics, Univ. Regensburg, Univ. Regensburg); PubMed 31964843 (cited by Institute of Human Genetics, Univ. Regensburg, Univ. Regensburg); PubMed 31429209 (cited by Institute of Human Genetics, Univ. Regensburg, Univ. Regensburg); PubMed 32810830 (cited by Institute of Human Genetics, Univ. Regensburg, Univ. Regensburg); PubMed 32307445 (cited by Institute of Human Genetics, Univ. Regensburg, Univ. Regensburg); PubMed 32581362 (cited by Institute of Human Genetics, Univ. Regensburg, Univ. Regensburg); PubMed 32531858 (cited by Institute of Human Genetics, Univ. Regensburg, Univ. Regensburg); PubMed 33706644 (cited by Institute of Human Genetics, Univ. Regensburg, Univ. Regensburg); PubMed 33851411 (cited by Institute of Human Genetics, Univ. Regensburg, Univ. Regensburg); PubMed 36338671 (cited by Institute of Human Genetics, Univ. Regensburg, Univ. Regensburg); PubMed 35112029 (cited by Institute of Human Genetics, Univ. Regensburg, Univ. Regensburg); PubMed 35119454 (cited by Institute of Human Genetics, Univ. Regensburg, Univ. Regensburg); PubMed 36460718 (cited by Institute of Human Genetics, Univ. Regensburg, Univ. Regensburg); PubMed 35076026 (cited by Institute of Human Genetics, Univ. Regensburg, Univ. Regensburg); PubMed 36819107 (cited by Institute of Human Genetics, Univ. Regensburg, Univ. Regensburg); PubMed 19074458 (cited by Institute of Human Genetics, Univ. Regensburg, Univ. Regensburg); PubMed 22264887 (cited by Institute of Human Genetics, Univ. Regensburg, Univ. Regensburg and Eurofins Ntd Llc (ga)); PubMed 22968130 (cited by Institute of Human Genetics, Univ. Regensburg, Univ. Regensburg); PubMed 24453473 (cited by Institute of Human Genetics, Univ. Regensburg, Univ. Regensburg); PubMed 26261413 (cited by Institute of Human Genetics, Univ. Regensburg, Univ. Regensburg and Eurofins Ntd Llc (ga)); PubMed 29310964 (cited by Institute of Human Genetics, Univ. Regensburg, Univ. Regensburg); PubMed 28771251 (cited by Institute of Human Genetics, Univ. Regensburg, Univ. Regensburg); PubMed 31618761 (cited by Institute of Human Genetics, Univ. Regensburg, Univ. Regensburg); PubMed 31573552 (cited by Institute of Human Genetics, Univ. Regensburg, Univ. Regensburg); PubMed 28041643 (cited by NIHR Bioresource Rare Diseases, University of Cambridge).